The following is an entry in ClinVar:

ClinVar aggregate classification (germline): Uncertain significance. Review status: criteria provided, multiple submitters, no conflicts (2 of 4 stars). 2 submissions from 2 submitters: Uncertain significance (2). Last evaluated 2023-01-31.

Conditions:
Inborn genetic diseases. Identifiers: MedGen C0950123, MeSH D030342.

Allele frequency attached by ClinVar (database versions not stated): gnomAD 0.00001; gnomAD exomes 0.00001 and 0.00002; ExAC 0.00002; TOPMed 0.00002.
gnomAD v4.1: 18 of 1,612,622 alleles (0.0011%); highest among the groups gnomAD compares: Admixed American, 0.0017%; no homozygotes.

Submissions (2):

Ambry Genetics
Classification: Uncertain significance for Inborn genetic diseases. Last evaluated: 2023-01-31. Review status: criteria provided, single submitter. Criteria: Ambry Variant Classification Scheme 2023. Collection method: clinical testing. Allele origin: germline.

Labcorp Genetics (formerly Invitae), Labcorp
Classification: Uncertain significance. Last evaluated: 2021-07-26. Review status: criteria provided, single submitter. Criteria: Invitae Variant Classification Sherloc (09022015). Collection method: clinical testing. Allele origin: germline.
Comment: This variant has not been reported in the literature in individuals affected with TBC1D32-related conditions. This sequence change replaces glutamic acid with lysine at codon 138 of the TBC1D32 protein (p.Glu138Lys). The glutamic acid residue is moderately conserved and there is a small physicochemical difference between glutamic acid and lysine. This variant is present in population databases (rs751379533, ExAC 0.003%). Algorithms developed to predict the effect of missense changes on protein structure and function (SIFT, PolyPhen-2, Align-GVGD) all suggest that this variant is likely to be tolerated. In summary, the available evidence is currently insufficient to determine the role of this variant in disease. Therefore, it has been classified as a Variant of Uncertain Significance.

NM_152730.6(TBC1D32):c.412G>A (p.Glu138Lys)

Gene: TBC1D32 (TBC1 domain family member 32; minus strand). Cytogenetic location: 6q22.31.
Variant type: single nucleotide variant.
Coding change: c.412G>A on transcript NM_152730.6 (MANE Select); coding-DNA position 412, G replaced by A.
Protein change: p.Glu138Lys; replaces glutamic acid 138 with lysine.
Molecular consequence: missense variant. On other transcripts: non-coding transcript variant (1).
Genome position (GRCh38, 1-based): chr6:121,317,578, C>T on the plus strand (G>A on the coding strand, the complement: TBC1D32 is on the minus strand). VCF-style: chr6-121317578-C-T. GRCh37 (hg19) VCF-style: chr6-121638724-C-T.
Other names: c.412G>A, p.Glu138Lys (NM_001367759.1, NM_001367760.1); c.412G>A (NM_152730.4); short protein forms E138K.
Identifiers: ClinVar variation 1450906 (VCV001450906.9), dbSNP rs751379533, ClinGen allele CA3981513.